The following is an entry in ClinVar:

ClinVar aggregate classification (germline): Uncertain significance (0 of 4 stars; one submission).

Conditions:
MAGEL2-related disorder. Also called: MAGEL2-related condition.

gnomAD v4.1: 31 of 1,613,800 alleles (0.0019%); highest among the groups gnomAD compares: Non-Finnish European, 0.0026%; no homozygotes.

Submission:

PreventionGenetics, part of Exact Sciences
Classification: Uncertain significance for MAGEL2-related condition. Last evaluated: 2024-06-18. Review status: no assertion criteria provided. Collection method: clinical testing. Allele origin: germline.
Comment: The MAGEL2 c.2519C>A variant is predicted to result in the amino acid substitution p.Pro840His. To our knowledge, this variant has not been reported in the literature. This variant is reported in 0.0023% of alleles in individuals of European (Non-Finnish) descent in gnomAD. At this time, the clinical significance of this variant is uncertain due to the absence of conclusive functional and genetic evidence.

NM_019066.5(MAGEL2):c.2519C>A (p.Pro840His)

Gene: MAGEL2 (MAGE family member L2; minus strand). Cytogenetic location: 15q11.2.
Variant type: single nucleotide variant.
Coding change: c.2519C>A on transcript NM_019066.5 (MANE Select); coding-DNA position 2519, C replaced by A.
Protein change: p.Pro840His; replaces proline 840 with histidine.
Molecular consequence: missense variant.
Genome position (GRCh38, 1-based): chr15:23,645,224, G>T on the plus strand (C>A on the coding strand, the complement: MAGEL2 is on the minus strand). VCF-style: chr15-23645224-G-T. GRCh37 (hg19) VCF-style: chr15-23890371-G-T.
Other names: short protein forms P840H.
Identifiers: ClinVar variation 3346982 (VCV003346982.1).